The following is an entry in ClinVar:

NM_000548.5(TSC2):c.3773C>A (p.Ala1258Asp)

Gene: TSC2 (TSC complex subunit 2; plus strand). Cytogenetic location: 16p13.3.
Variant type: single nucleotide variant.
Coding change: c.3773C>A on transcript NM_000548.5 (MANE Select); coding-DNA position 3773, C replaced by A.
Protein change: p.Ala1258Asp; replaces alanine 1258 with aspartic acid.
Molecular consequence: missense variant.
Genome position (GRCh38, 1-based): chr16:2,081,757, C>A. VCF-style: chr16-2081757-C-A. GRCh37 (hg19) VCF-style: chr16-2131758-C-A.
Other names: c.3641C>A, p.Ala1214Asp (NM_001077183.3, NM_001370404.1); c.3773C>A, p.Ala1258Asp (NM_001114382.3); c.3533C>A, p.Ala1178Asp (NM_001318827.2); c.3497C>A, p.Ala1166Asp (NM_001318829.2); c.3041C>A, p.Ala1014Asp (NM_001318831.2); c.3674C>A, p.Ala1225Asp (NM_001318832.2); c.3644C>A, p.Ala1215Asp (NM_001363528.2, NM_001370405.1, NM_021055.3); short protein forms A1215D, A1225D, A1014D, A1166D, A1214D, A1178D, A1258D.
Identifiers: ClinVar variation 1350854 (VCV001350854.8), dbSNP rs1060500958, ClinGen allele CA394293324.
Genomic context (GRCh38, chr16:2,081,757, plus strand): 5'-CTGAGCGCTTCAAGGAGCACCGGGACACAGCCCTGTACAAGTCACTGTCGGTGCCGGCAG[C>A]CAGCACGGCCAAACCCCCTCCTCTGCCTCGCTCCAACACAGGTGAGTGGCATGGCGGGCC-3'
Protein context (NP_000539.2, residues 1248-1268): ALYKSLSVPA[Ala1258Asp]STAKPPPLPR

ClinVar aggregate classification (germline): Uncertain significance (1 of 4 stars; one submission).

Conditions:
Tuberous sclerosis 2 (TSC2). Identifiers: Orphanet 805, MedGen C1860707, MONDO:0013199, OMIM 613254.

Allele frequency attached by ClinVar (database versions not stated): TOPMed below 0.00001; gnomAD 0.00001.
gnomAD v4.1: 1 of 1,612,660 alleles (0.000062%); highest among the groups gnomAD compares: Non-Finnish European, 0.000085%; no homozygotes.

Submission:

Labcorp Genetics (formerly Invitae), Labcorp
Classification: Uncertain significance for Tuberous sclerosis 2. Last evaluated: 2022-01-28. Review status: criteria provided, single submitter. Criteria: Invitae Variant Classification Sherloc (09022015). Collection method: clinical testing. Allele origin: germline.
Comment: In summary, the available evidence is currently insufficient to determine the role of this variant in disease. Therefore, it has been classified as a Variant of Uncertain Significance. Advanced modeling of protein sequence and biophysical properties (such as structural, functional, and spatial information, amino acid conservation, physicochemical variation, residue mobility, and thermodynamic stability) performed at Invitae indicates that this missense variant is not expected to disrupt TSC2 protein function. This variant has not been reported in the literature in individuals affected with TSC2-related conditions. This variant is not present in population databases (gnomAD no frequency). This sequence change replaces alanine, which is neutral and non-polar, with aspartic acid, which is acidic and polar, at codon 1258 of the TSC2 protein (p.Ala1258Asp).